The following is an entry in ClinVar:

ClinVar aggregate classification (germline): Pathogenic. Review status: criteria provided, multiple submitters, no conflicts (2 of 4 stars). 2 submissions from 2 submitters: Pathogenic (2). Last evaluated 2022-05-04.

Conditions:
Developmental and epileptic encephalopathy 6B. Also called: Developmental and epileptic encephalopathy 6B, non-Dravet. Identifiers: MedGen C5543353, MONDO:0030268, OMIM 619317.
Generalized epilepsy with febrile seizures plus, type 2 (GEFSP2). Also called: GEFS+, TYPE 2. Identifiers: Orphanet 36387, MedGen C1858673, MONDO:0011461, OMIM 604403.

Submissions (2):

Mendelics
Classification: Pathogenic for Generalized epilepsy with febrile seizures plus, type 2. Last evaluated: 2022-05-04. Review status: criteria provided, single submitter. Criteria: Mendelics Assertion Criteria 2019. Collection method: clinical testing. Allele origin: germline.

Imagene.me medical diagnostic laboratory, IMAGENE.ME SA
Classification: Pathogenic for Developmental and epileptic encephalopathy 6B. Review status: criteria provided, single submitter. Criteria: IMAGENE.ME Variant Classification SOP 2022. Collection method: clinical testing. Allele origin: de novo. Affected: yes.
Comment: Classified according to the IMAGENE.ME variant classification SOP based on the ACMG guidelines as Pathogenic (P): PS2 + PM1 + PM2 + PP3_Moderate + PP4_Moderate + PP2

NM_001165963.4(SCN1A):c.5005G>A (p.Ala1669Thr)

Genes: SCN1A (sodium voltage-gated channel alpha subunit 1; minus strand), LOC102724058 (uncharacterized LOC102724058; plus strand). Cytogenetic location: 2q24.3.
Variant type: single nucleotide variant.
Coding change: c.5005G>A on transcript NM_001165963.4 (MANE Select); coding-DNA position 5005, G replaced by A.
Protein change: p.Ala1669Thr; replaces alanine 1669 with threonine.
Molecular consequence: missense variant. On other transcripts: non-coding transcript variant (1).
Genome position (GRCh38, 1-based): chr2:165,992,270, C>T on the plus strand (G>A on the coding strand, the complement: SCN1A is on the minus strand). VCF-style: chr2-165992270-C-T. GRCh37 (hg19) VCF-style: chr2-166848780-C-T.
Other names: c.4921G>A, p.Ala1641Thr (NM_001165964.3, NM_001353957.2, NM_001353958.2); c.5005G>A, p.Ala1669Thr (NM_001202435.3, NM_001353948.2); c.4972G>A, p.Ala1658Thr (NM_001353949.2, NM_001353950.2, NM_001353951.2 and 2 more transcripts); c.4969G>A, p.Ala1657Thr (NM_001353954.2, NM_001353955.2); c.4918G>A, p.Ala1640Thr (NM_001353960.2); c.2563G>A, p.Ala855Thr (NM_001353961.2); short protein forms A1640T, A1641T, A1657T, A1658T, A1669T, A855T.
Identifiers: ClinVar variation 1686141 (VCV001686141.2), dbSNP rs2105433731, ClinGen allele CA349069759.